The following is an entry in ClinVar:

ClinVar aggregate classification (germline): Pathogenic/Likely pathogenic. Review status: criteria provided, multiple submitters, no conflicts (2 of 4 stars). 5 submissions from 5 submitters: Pathogenic (4); Likely pathogenic (1). Last evaluated 2026-04-03.

Conditions:
Breast-ovarian cancer, familial, susceptibility to, 2 (BROVCA2). Also called: BRCA2 Hereditary Breast and Ovarian Cancer. Identifiers: Orphanet 145, MedGen C2675520, MONDO:0012933, OMIM 612555. Disease mechanism: loss of function.
Hereditary cancer-predisposing syndrome. Also called: Neoplastic Syndromes, Hereditary; Hereditary neoplastic syndrome; Tumor predisposition; Hereditary Cancer Syndrome. Identifiers: Orphanet 140162, MedGen C0027672, MeSH D009386, MONDO:0015356.
Hereditary breast ovarian cancer syndrome. Also called: BRCA1- and BRCA2-Associated Hereditary Breast and Ovarian Cancer; Hereditary breast and ovarian cancer; Hereditary breast and ovarian cancer syndrome (HBOC); Breast and ovarian cancer; Hereditary breast and/or ovarian cancer syndrome; Hereditary breast and ovarian cancer syndrome. Identifiers: Orphanet 145, MedGen C0677776, MeSH D061325, MONDO:0003582. Disease mechanism: loss of function.

Submissions (5):

Dasa
Classification: Pathogenic for Breast-ovarian cancer, familial, susceptibility to, 2. Last evaluated: 2026-04-03. Review status: criteria provided, single submitter. Criteria: DASA Assertion Criteria. Collection method: clinical testing. Allele origin: germline.
Comment: NM_000059.4(BRCA2):c.5271T>A (p.Tyr1757*) introduces a premature termination codon predicted to result in loss of normal protein function. Loss-of-function is an established mechanism of disease for this gene. The variant is present at low frequency in population datasets. Based on the available data, this variant is classified as pathogenic.

Genomic Medicine Center of Excellence, King Faisal Specialist Hospital and Research Centre
Classification: Pathogenic for Breast-ovarian cancer, familial, susceptibility to, 2. Last evaluated: 2025-09-10. Review status: criteria provided, single submitter. Criteria: ACMG Guidelines, 2015. Collection method: clinical testing. Allele origin: germline.

KCCC/NGS Laboratory, Kuwait Cancer Control Center
Classification: Likely pathogenic for Breast-ovarian cancer, familial, susceptibility to, 2. Last evaluated: 2023-06-06. Review status: criteria provided, single submitter. Criteria: ACMG Guidelines, 2015. Collection method: clinical testing. Allele origin: germline. Affected: yes.
Comment: The BRCA2 variant c.5217T>A (p.Tyr1757Ter) creates a premature stop codon. It is classified as a likely pathogenic according to the American College of Medical Genetics and Genomics.

Labcorp Genetics (formerly Invitae), Labcorp
Classification: Pathogenic for Hereditary breast ovarian cancer syndrome. Last evaluated: 2019-11-10. Review status: criteria provided, single submitter. Criteria: Invitae Variant Classification Sherloc (09022015). Collection method: clinical testing. Allele origin: germline.
Comment: This variant is not present in population databases (ExAC no frequency). This sequence change creates a premature translational stop signal (p.Tyr1757*) in the BRCA2 gene. It is expected to result in an absent or disrupted protein product. This variant has been observed in individual(s) with breast cancer (PMID: 28975465, 30287823). ClinVar contains an entry for this variant (Variation ID: 531335). Loss-of-function variants in BRCA2 are known to be pathogenic (PMID: 20104584). For these reasons, this variant has been classified as Pathogenic.

Ambry Genetics
Classification: Pathogenic for Hereditary cancer-predisposing syndrome. Last evaluated: 2018-02-01. Review status: criteria provided, single submitter. Criteria: Ambry Variant Classification Scheme 2023. Collection method: clinical testing. Allele origin: germline.
Comment: The p.Y1757* pathogenic mutation (also known as c.5271T>A), located in coding exon 10 of the BRCA2 gene, results from a T to A substitution at nucleotide position 5271. This changes the amino acid from a tyrosine to a stop codon within coding exon 10. This alteration is expected to result in loss of function by premature protein truncation or nonsense-mediated mRNA decay. As such, this alteration is interpreted as a disease-causing mutation.

Literature cited by the submitters: PubMed 28975465 (cited by Labcorp Genetics (formerly Invitae), Labcorp); PubMed 30287823 (cited by Labcorp Genetics (formerly Invitae), Labcorp); PubMed 20104584 (cited by Labcorp Genetics (formerly Invitae), Labcorp).

NM_000059.4(BRCA2):c.5271T>A (p.Tyr1757Ter)

Gene: BRCA2 (BRCA2 DNA repair associated; plus strand). Cytogenetic location: 13q13.1.
Variant type: single nucleotide variant.
Coding change: c.5271T>A on transcript NM_000059.4 (MANE Select); coding-DNA position 5271, T replaced by A.
Protein change: p.Tyr1757Ter; replaces tyrosine 1757 with a stop codon.
Molecular consequence: nonsense.
Genome position (GRCh38, 1-based): chr13:32,339,626, T>A. VCF-style: chr13-32339626-T-A. GRCh37 (hg19) VCF-style: chr13-32913763-T-A.
Other names: short protein forms Y1757*.
Identifiers: ClinVar variation 531335 (VCV000531335.21), dbSNP rs1555284139, ClinGen allele CA387784744.